The following is an entry in ClinVar:

NM_001322934.2(NFKB2):c.2278C>T (p.Pro760Ser)

Gene: NFKB2 (nuclear factor kappa B subunit 2; plus strand). Cytogenetic location: 10q24.32.
Variant type: single nucleotide variant.
Coding change: c.2278C>T on transcript NM_001322934.2 (MANE Select); coding-DNA position 2278, C replaced by T.
Protein change: p.Pro760Ser; replaces proline 760 with serine.
Molecular consequence: missense variant.
Genome position (GRCh38, 1-based): chr10:102,401,503, C>T. VCF-style: chr10-102401503-C-T. GRCh37 (hg19) VCF-style: chr10-104161260-C-T.
Other names: c.2278C>T, p.Pro760Ser (NM_001077494.3, NM_001261403.3, NM_001288724.1 and 1 more transcripts); c.2152C>T, p.Pro718Ser (NM_001322935.1); short protein forms P718S, P760S.
Identifiers: ClinVar variation 959536 (VCV000959536.6), dbSNP rs2061247896, ClinGen allele CA377904907.

ClinVar aggregate classification (germline): Uncertain significance (1 of 4 stars; one submission).

Conditions:
Immunodeficiency, common variable, 10. Also called: DEFICIT IN ANTERIOR PITUITARY FUNCTION AND VARIABLE IMMUNODEFICIENCY; IMMUNODEFICIENCY, COMMON VARIABLE, WITH CENTRAL ADRENAL INSUFFICIENCY. Identifiers: MedGen C3809991, MONDO:0014260, OMIM 615577.

Submission:

Labcorp Genetics (formerly Invitae), Labcorp
Classification: Uncertain significance for Immunodeficiency, common variable, 10. Last evaluated: 2021-09-01. Review status: criteria provided, single submitter. Criteria: Invitae Variant Classification Sherloc (09022015). Collection method: clinical testing. Allele origin: germline.
Comment: This sequence change replaces proline with serine at codon 760 of the NFKB2 protein (p.Pro760Ser). The proline residue is weakly conserved and there is a moderate physicochemical difference between proline and serine. This variant is not present in population databases (ExAC no frequency). This variant has not been reported in the literature in individuals affected with NFKB2-related conditions. Algorithms developed to predict the effect of missense changes on protein structure and function are either unavailable or do not agree on the potential impact of this missense change (SIFT: "Tolerated"; PolyPhen-2: "Probably Damaging"; Align-GVGD: "Class C0"). In summary, the available evidence is currently insufficient to determine the role of this variant in disease. Therefore, it has been classified as a Variant of Uncertain Significance.